The following is an entry in ClinVar:

NM_173543.3(DZIP1L):c.1423-2A>G

Gene: DZIP1L (DAZ interacting zinc finger protein 1 like; minus strand). Cytogenetic location: 3q22.3.
Variant type: single nucleotide variant.
Coding change: c.1423-2A>G on transcript NM_173543.3 (MANE Select); the canonical splice acceptor site of the intron before coding-DNA position 1423, A replaced by G.
Molecular consequence: splice acceptor variant.
Genome position (GRCh38, 1-based): chr3:138,071,837, T>C on the plus strand (A>G on the coding strand, the complement: DZIP1L is on the minus strand). VCF-style: chr3-138071837-T-C. GRCh37 (hg19) VCF-style: chr3-137790679-T-C.
Other names: c.1423-2A>G (NM_001170538.1).
Identifiers: ClinVar variation 5006552 (VCV005006552.2).
Genomic context (GRCh38, chr3:138,071,837, plus strand): 5'-TGGACTCTCAGCAGGGATTCCAGGTGTCTGAGAGTCTGAATCGAGATTCCCTTTGCATCC[T>C]AGAGGAGACAGGAGTTCACCTTTACAGAGAGAGGCTACCCTTCTTCTCCTTCCCCTAAGC-3'

ClinVar aggregate classification (germline): Likely pathogenic (1 of 4 stars; one submission).

Conditions:
Polycystic kidney disease 5. Identifiers: MedGen C4539903, MONDO:0033281, OMIM 617610.

Submission:

Juno Genomics, Hangzhou Juno Genomics, Inc
Classification: Likely pathogenic for Polycystic kidney disease 5. Review status: criteria provided, single submitter. Criteria: ACMG Guidelines, 2015. Collection method: clinical testing. Allele origin: germline.
Comment: Null variant in a gene where loss of function (LOF) is a known mechanism of disease.;Absent from controls (or at extremely low frequency if recessive) in Genome Aggregation Database.